The following is an entry in ClinVar:

ClinVar aggregate classification (germline): Uncertain significance. Review status: criteria provided, multiple submitters, no conflicts (2 of 4 stars). 3 submissions from 3 submitters: Uncertain significance (3). Last evaluated 2025-07-21.

Conditions:
Inborn genetic diseases. Identifiers: MedGen C0950123, MeSH D030342.

Allele frequency attached by ClinVar (database versions not stated): TOPMed below 0.00001; gnomAD 0.00001; gnomAD exomes 0.00003.
gnomAD v4.1: 37 of 1,614,046 alleles (0.0023%); highest among the groups gnomAD compares: Non-Finnish European, 0.0031%; no homozygotes.

Submissions (3):

Labcorp Genetics (formerly Invitae), Labcorp
Classification: Uncertain significance. Last evaluated: 2025-07-21. Review status: criteria provided, single submitter. Criteria: Invitae Variant Classification Sherloc (09022015). Collection method: clinical testing. Allele origin: germline.
Comment: This sequence change replaces proline, which is neutral and non-polar, with leucine, which is neutral and non-polar, at codon 446 of the WDR62 protein (p.Pro446Leu). This variant is not present in population databases (gnomAD no frequency). This variant has not been reported in the literature in individuals affected with WDR62-related conditions. ClinVar contains an entry for this variant (Variation ID: 2141020). Invitae Evidence Modeling of protein sequence and biophysical properties (such as structural, functional, and spatial information, amino acid conservation, physicochemical variation, residue mobility, and thermodynamic stability) indicates that this missense variant is not expected to disrupt WDR62 protein function with a negative predictive value of 80%. In summary, the available evidence is currently insufficient to determine the role of this variant in disease. Therefore, it has been classified as a Variant of Uncertain Significance.

Ambry Genetics
Classification: Uncertain significance for Inborn genetic diseases. Last evaluated: 2024-09-24. Review status: criteria provided, single submitter. Criteria: Ambry Variant Classification Scheme 2023. Collection method: clinical testing. Allele origin: germline.

Blueprint Genetics
Classification: Uncertain significance. Last evaluated: 2023-08-10. Review status: criteria provided, single submitter. Criteria: ACMG Guidelines, 2015. Collection method: clinical testing. Allele origin: germline.

NM_001083961.2(WDR62):c.1337C>T (p.Pro446Leu)

Gene: WDR62 (WD repeat domain 62; plus strand). Cytogenetic location: 19q13.12.
Variant type: single nucleotide variant.
Coding change: c.1337C>T on transcript NM_001083961.2 (MANE Select); coding-DNA position 1337, C replaced by T.
Protein change: p.Pro446Leu; replaces proline 446 with leucine.
Molecular consequence: missense variant.
Genome position (GRCh38, 1-based): chr19:36,081,536, C>T. VCF-style: chr19-36081536-C-T. GRCh37 (hg19) VCF-style: chr19-36572438-C-T.
Other names: c.1322C>T, p.Pro441Leu (NM_001411145.1); c.1337C>T, p.Pro446Leu (NM_001411146.1, NM_173636.5); c.986C>T, p.Pro329Leu (NM_001411147.1); c.1337C>T (NM_001083961.1); short protein forms P329L, P441L, P446L.
Identifiers: ClinVar variation 2141020 (VCV002141020.6), dbSNP rs1421748965, ClinGen allele CA405435499.